The following is an entry in ClinVar:

ClinVar aggregate classification (germline): Pathogenic/Likely pathogenic. Review status: criteria provided, multiple submitters, no conflicts (2 of 4 stars). 2 submissions from 2 submitters: Pathogenic (1); Likely pathogenic (1). Last evaluated 2022-09-14.

Conditions:
Marfan Syndrome/Loeys-Dietz Syndrome/Familial Thoracic Aortic Aneurysms and Dissections. Identifiers: MedGen CN229799.
Marfan syndrome (MFS). Also called: MARFAN SYNDROME, TYPE I; FBN1-Related Marfan Syndrome; Marfan syndrome type 1; Marfan's syndrome; Marfan syndrome, classic. Identifiers: Orphanet 284963, Orphanet 558, MedGen C0024796, MONDO:0007947, OMIM 154700.
Familial thoracic aortic aneurysm and aortic dissection (TAAD). Also called: Thoracic aortic aneurysms and dissections. Identifiers: Orphanet 91387, MedGen C4707243, MONDO:0019625.

Submissions (2):

Labcorp Genetics (formerly Invitae), Labcorp
Classification: Pathogenic for Marfan syndrome; Familial thoracic aortic aneurysm and aortic dissection. Last evaluated: 2022-09-14. Review status: criteria provided, single submitter. Criteria: Invitae Variant Classification Sherloc (09022015). Collection method: clinical testing. Allele origin: germline.
Comment: ClinVar contains an entry for this variant (Variation ID: 495634). For these reasons, this variant has been classified as Pathogenic. This sequence change creates a premature translational stop signal (p.Arg1982Glufs*77) in the FBN1 gene. It is expected to result in an absent or disrupted protein product. Loss-of-function variants in FBN1 are known to be pathogenic (PMID: 17657824, 19293843). This variant is not present in population databases (gnomAD no frequency). This variant has not been reported in the literature in individuals affected with FBN1-related conditions.

Women's Health and Genetics/Laboratory Corporation of America, LabCorp
Classification: Likely pathogenic for Marfan Syndrome/Loeys-Dietz Syndrome/Familial Thoracic Aortic Aneurysms and Dissections. Last evaluated: 2016-11-17. Review status: criteria provided, single submitter. Criteria: LabCorp Variant Classification Summary - May 2015. Collection method: clinical testing. Allele origin: germline.
Comment: Variant summary: The FBN1 c.5943delC (p.Arg1982Glufs) variant results in a premature termination codon, predicted to cause a truncated or absent FBN1 protein due to nonsense mediated decay (NMD), which are commonly known mechanisms for disease. If NMD is escaped, this variant is expected to alter or truncate parts of EGF-like, TB and growth factor receptor cysteine-rich domains (InterPro). Truncations downstream of this position have been classified as pathogenic/likely pathogenic by our laboratory (e.g. p.Trp2602X, p.Arg2776X, c.8391_8392delTG, etc.). This variant is absent in approximately 121230 control chromosomes from ExAC. The variant of interest has not, to our knowledge, been reported in affected individuals via publications and/or reputable databases/clinical diagnostic laboratories. Taken together, this variant is classified as likely pathogenic.

Literature cited by the submitters: PubMed 17657824 (cited by Labcorp Genetics (formerly Invitae), Labcorp); PubMed 19293843 (cited by Labcorp Genetics (formerly Invitae), Labcorp).

NM_000138.5(FBN1):c.5943del (p.Arg1982fs)

Gene: FBN1 (fibrillin 1; minus strand). Cytogenetic location: 15q21.1.
Variant type: Deletion.
Coding change: c.5943del on transcript NM_000138.5 (MANE Select); coding-DNA position 5943, one base deleted (C; older notation c.5943delC).
Protein change: p.Arg1982fs; shifts the reading frame from arginine 1982.
Molecular consequence: frameshift variant.
Genome position (GRCh38, 1-based): chr15:48,444,635, G deleted on the plus strand (C on the coding strand, the reverse complement: FBN1 is on the minus strand); the first of 3 consecutive G bases (chr15:48,444,635-48,444,637); deleting any one gives the same sequence. VCF-style (leftmost placement, unchanged base first): chr15-48444634-TG-T. GRCh37 (hg19) VCF-style: chr15-48736831-TG-T.
Other names: c.5943delC (NM_000138.4); short protein forms R1982fs.
Identifiers: ClinVar variation 495634 (VCV000495634.5), dbSNP rs1555395661, ClinGen allele CA658683889.